The following is an entry in ClinVar:

ClinVar aggregate classification (germline): Uncertain significance (1 of 4 stars; one submission).

Conditions:
Ellis-van Creveld syndrome (EVC). Also called: Chondroectodermal dysplasia; MESOECTODERMAL DYSPLASIA; EVC-Related Ellis-van Creveld Syndrome; EVC2-Related Ellis-van Creveld Syndrome. Identifiers: Orphanet 289, MedGen C0013903, MONDO:0009162, OMIM 225500.
Curry-Hall syndrome (WAD). Also called: WEYERS ACRODENTAL DYSOSTOSIS. Identifiers: Orphanet 952, MedGen C0457013, MONDO:0008673, OMIM 193530.

Allele frequency attached by ClinVar (database versions not stated): ExAC 0.00002; gnomAD exomes 0.00002; gnomAD 0.00003; TOPMed 0.00003.
gnomAD v4.1: 31 of 1,614,046 alleles (0.0019%); highest among the groups gnomAD compares: Admixed American, 0.04%; no homozygotes.

Submission:

Labcorp Genetics (formerly Invitae), Labcorp
Classification: Uncertain significance for Curry-Hall syndrome; Ellis-van Creveld syndrome. Last evaluated: 2025-03-29. Review status: criteria provided, single submitter. Criteria: Invitae Variant Classification Sherloc (09022015). Collection method: clinical testing. Allele origin: germline.
Comment: This sequence change replaces asparagine, which is neutral and polar, with serine, which is neutral and polar, at codon 361 of the EVC2 protein (p.Asn361Ser). This variant is present in population databases (rs764037503, gnomAD 0.04%). This variant has not been reported in the literature in individuals affected with EVC2-related conditions. ClinVar contains an entry for this variant (Variation ID: 2049600). An algorithm developed to predict the effect of missense changes on protein structure and function outputs the following: PolyPhen-2: "Benign". The serine amino acid residue is found in multiple mammalian species, which suggests that this missense change does not adversely affect protein function. In summary, the available evidence is currently insufficient to determine the role of this variant in disease. Therefore, it has been classified as a Variant of Uncertain Significance.

NM_147127.5(EVC2):c.1082A>G (p.Asn361Ser)

Gene: EVC2 (EvC ciliary complex subunit 2; minus strand). Cytogenetic location: 4p16.2.
Variant type: single nucleotide variant.
Coding change: c.1082A>G on transcript NM_147127.5 (MANE Select); coding-DNA position 1082, A replaced by G.
Protein change: p.Asn361Ser; replaces asparagine 361 with serine.
Molecular consequence: missense variant.
Genome position (GRCh38, 1-based): chr4:5,663,170, T>C on the plus strand (A>G on the coding strand, the complement: EVC2 is on the minus strand). VCF-style: chr4-5663170-T-C. GRCh37 (hg19) VCF-style: chr4-5664897-T-C.
Other names: c.842A>G, p.Asn281Ser (NM_001166136.2); short protein forms N281S, N361S.
Identifiers: ClinVar variation 2049600 (VCV002049600.2), dbSNP rs764037503, ClinGen allele CA2835159.